The following is an entry in ClinVar:

NM_000181.4(GUSB):c.25T>C (p.Trp9Arg)

Gene: GUSB (glucuronidase beta; minus strand). Cytogenetic location: 7q11.21.
Variant type: single nucleotide variant.
Coding change: c.25T>C on transcript NM_000181.4 (MANE Select); coding-DNA position 25, T replaced by C.
Protein change: p.Trp9Arg; replaces tryptophan 9 with arginine.
Molecular consequence: missense variant. On other transcripts: 5 prime UTR variant (2), non-coding transcript variant (1).
Genome position (GRCh38, 1-based): chr7:65,982,159, A>G on the plus strand (T>C on the coding strand, the complement: GUSB is on the minus strand). VCF-style: chr7-65982159-A-G. GRCh37 (hg19) VCF-style: chr7-65447146-A-G.
Other names: c.25T>C, p.Trp9Arg (NM_001284290.2); c.-361T>C (NM_001293104.2); c.-305T>C (NM_001293105.2); short protein forms W9R.
Identifiers: ClinVar variation 4292087 (VCV004292087.1).
Genomic context (GRCh38, chr7:65,982,159, plus strand): 5'-ACAGCATCCCGCCCTGCAGCCCCAGCGCGCAGCCCCACAACAACGGCCCGAGCGCCGCCC[A>G]GGCAACCGCCGACCCCCGGGCCATGCTTCCCGGTCCCCCGCTCGGCCACCGTCTGCGGCG-3'
Protein context (NP_000172.2, residues 1-19): MARGSAVA[Trp9Arg]AALGPLLWGC

ClinVar aggregate classification (germline): Uncertain significance (1 of 4 stars; one submission).

Conditions:
Mucopolysaccharidosis type 7 (MPS7). Also called: GUSB DEFICIENCY; SLY SYNDROME; MPS VII; BETA-GLUCURONIDASE DEFICIENCY. Identifiers: Orphanet 584, MedGen C0085132, MONDO:0009662, OMIM 253220.

Submission:

3billion
Classification: Uncertain significance for Mucopolysaccharidosis type 7. Last evaluated: 2024-09-28. Review status: criteria provided, single submitter. Criteria: ACMG Guidelines, 2015. Collection method: clinical testing. Allele origin: germline. Affected: yes.
Comment: The variant is not observed in the gnomAD v4.1.0 dataset. Predicted Consequence/Location: Missense variant In silico tool predictions suggest no damaging effect of the variant on gene or gene product [REVEL: 0.26 (<0.4); 3Cnet: 0.00 (<0.15, specificity 0.78 and negative predictive value 0.92)]. Therefore, this variant is classified as VUS according to the recommendation of ACMG/AMP guideline.